The following is an entry in ClinVar:

ClinVar aggregate classification (germline): Uncertain significance (1 of 4 stars; one submission).

Allele frequency attached by ClinVar (database versions not stated): gnomAD exomes below 0.00001; gnomAD 0.00001.

Submission:

Labcorp Genetics (formerly Invitae), Labcorp
Classification: Uncertain significance. Last evaluated: 2022-11-20. Review status: criteria provided, single submitter. Criteria: Invitae Variant Classification Sherloc (09022015). Collection method: clinical testing. Allele origin: germline.
Comment: In summary, the available evidence is currently insufficient to determine the role of this variant in disease. Therefore, it has been classified as a Variant of Uncertain Significance. This variant has not been reported in the literature in individuals affected with DVL3-related conditions. This variant is present in population databases (no rsID available, gnomAD 0.002%). This sequence change creates a premature translational stop signal (p.Met310Argfs*45) in the DVL3 gene. It is expected to result in an absent or disrupted protein product. However, the current clinical and genetic evidence is not sufficient to establish whether loss-of-function variants in DVL3 cause disease.

NM_004423.4(DVL3):c.929_936del (p.Met310fs)

Gene: DVL3 (dishevelled segment polarity protein 3; plus strand). Cytogenetic location: 3q27.1.
Variant type: Deletion.
Coding change: c.929_936del on transcript NM_004423.4 (MANE Select); coding-DNA positions 929 to 936, 8 bases deleted (TGAGTAAT; older notation c.929_936delTGAGTAAT).
Protein change: p.Met310fs; shifts the reading frame from methionine 310.
Molecular consequence: frameshift variant.
Genome position (GRCh38, 1-based): chr3:184,166,471-184,166,478, TGAGTAAT deleted. VCF-style (leftmost placement, unchanged base first): chr3-184166470-ATGAGTAAT-A. GRCh37 (hg19) VCF-style: chr3-183884258-ATGAGTAAT-A.
Other names: short protein forms M310fs.
Identifiers: ClinVar variation 2964427 (VCV002964427.3), dbSNP rs1162575083, ClinGen allele CA548401028.
Genomic context (GRCh38, chr3:184,166,470, plus strand): 5'-GCACAGCTGTTTATCCCACTCCTGGTCCTTTCCCAGGTAAACGAGATCAACTTTGAGAAC[ATGAGTAAT>A]GACGATGCAGTCCGGGTACTGCGGGAGATTGTGCACAAACCGGGGTATGGATGGAATGGG-3'